The following is an entry in ClinVar:

NM_000552.5(VWF):c.3538G>A (p.Gly1180Arg)

Gene: VWF (von Willebrand factor; minus strand). Cytogenetic location: 12p13.31.
Variant type: single nucleotide variant.
Coding change: c.3538G>A on transcript NM_000552.5 (MANE Select); coding-DNA position 3538, G replaced by A.
Protein change: p.Gly1180Arg; replaces glycine 1180 with arginine.
Molecular consequence: missense variant.
Genome position (GRCh38, 1-based): chr12:6,022,740, C>T on the plus strand (G>A on the coding strand, the complement: VWF is on the minus strand). VCF-style: chr12-6022740-C-T. GRCh37 (hg19) VCF-style: chr12-6131906-C-T.
Other names: p.Gly1180Arg; short protein forms G1180R.
Identifiers: ClinVar variation 100268 (VCV000100268.3), dbSNP rs267607332, ClinGen allele CA228421.

ClinVar aggregate classification (germline): Pathogenic/Likely pathogenic. Review status: criteria provided, multiple submitters, no conflicts (2 of 4 stars). 3 submissions from 3 submitters: Pathogenic (1); Likely pathogenic (1). 1 of the submissions does not count toward it. Last evaluated 2023-01-05.

Conditions:
Von Willebrand disease type 2A. Identifiers: Orphanet 166084, MedGen C1282968, MONDO:0015628. Inheritance: Autosomal recessive or autosomal dominant.
Hereditary von Willebrand disease. Identifiers: Orphanet 903, MedGen C5703318, MONDO:0019565. Inheritance: Autosomal recessive or Autosomal dominant.

Submissions (3):

Molecular Diagnostics Laboratory, M Health Fairview: University of Minnesota
Classification: Likely pathogenic for Hereditary von Willebrand disease. Last evaluated: 2023-01-05. Review status: criteria provided, single submitter. Criteria: ACMG Guidelines, 2015. Collection method: clinical testing. Allele origin: germline. Affected: yes.

Versiti Diagnostic Laboratories, Versiti, Inc
Classification: Pathogenic for von Willebrand disease, type 2a. Last evaluated: 2019-08-29. Review status: criteria provided, single submitter. Criteria: Versiti Assertion Criteria. Collection method: clinical testing. Allele origin: germline. Affected: yes. Observed: 6 variant alleles.
Comment: The missense variant VWF c.3538G>A, p.Gly1180Arg (p.G1180R) in exon 26 changes amino acid glycine at codon 1180 to arginine. The glycine at this residue is fairly well conserved among species. This amino acid change occurs in the TIL3 domain (Springer, 2014). Pathogenic variants in VWF are associated with autosomal dominant or autosomal recessive von Willebrand disease (VWD), characterized by quantitative or qualitative deficiencies in von Willebrand factor and resulting in prolonged bleeding. This sequence variant has been previously reported in two patients from one family with type 2A VWD where the variant segregated with disease (James, 2004) and has been observed in additional patients with type 2A VWD in our research cohort. To date, this variant has not been reported in the general population (GnomAD, Exome Variant Server, ExAC, Variation Viewer). mRNA analysis of patient platelets and blood outgrowth endothelial cells (BOECs) showed expression of wild-type transcript that did not carry p.G1180R variant as well as transcripts with exon 26 skipping only, transcripts with exons 23 and 26 skipping, and (in BOECs only) transcripts with exon 23 skipping only (James, 2004; Hawke, 2016). Functional studies in mammalian cells of recombinant VWF with exons 23, 26, or 23 & 26 deleted showed significantly reduced VWF secretion caused by intracellular retention, and impaired multimerization resulting in only lowest weight multimers; recombinant VWF mutants demonstrated negligible binding to platelets, factor VIII, or collagen when expressed alone, and marginal to full restoration of binding upon co-expression with wt VWF (James, 2004; Hawke, 2016). Multiple lines of in silico computational evidence (Condel, Polyphen2, Mutation Taster, SIFT, HSF) predict the variant to be damaging; however, the accuracy of these tools is unknown. In summary, the collective evidence supports VWF c.3538G>A, p.Gly1180Arg as a dominant pathogenic variant for type 2A von Willebrand disease.

Academic Unit of Haematology, University of Sheffield
No classification provided. Review status: no classification provided. Collection method: not provided. Allele origin: not provided. Not counted in ClinVar's aggregate classification.

Literature cited by the submitters: PubMed 27317792 (cited by Versiti Diagnostic Laboratories, Versiti, Inc); PubMed 15226181 (cited by Versiti Diagnostic Laboratories, Versiti, Inc); PubMed 24928861 (cited by Versiti Diagnostic Laboratories, Versiti, Inc).